The following is an entry in ClinVar:

ClinVar aggregate classification (germline): Uncertain significance (1 of 4 stars; one submission).

Conditions:
Nephronophthisis 18 (NPHP18). Identifiers: Orphanet 655, MedGen C3890591, MONDO:0014374, OMIM 615862.

Allele frequency attached by ClinVar (database versions not stated): gnomAD exomes below 0.00001; TOPMed 0.00001.
gnomAD v4.1: 1 of 1,609,124 alleles (0.000062%); highest among the groups gnomAD compares: South Asian, 0.0011%; no homozygotes.

Submission:

Labcorp Genetics (formerly Invitae), Labcorp
Classification: Uncertain significance for Nephronophthisis 18. Last evaluated: 2021-01-13. Review status: criteria provided, single submitter. Criteria: Invitae Variant Classification Sherloc (09022015). Collection method: clinical testing. Allele origin: germline.
Comment: In summary, the available evidence is currently insufficient to determine the role of this variant in disease. Therefore, it has been classified as a Variant of Uncertain Significance. Algorithms developed to predict the effect of missense changes on protein structure and function are either unavailable or do not agree on the potential impact of this missense change (SIFT: "Deleterious"; PolyPhen-2: "Benign"; Align-GVGD: "Class C0"). This variant has not been reported in the literature in individuals with CEP83-related conditions. This variant is not present in population databases (ExAC no frequency). This sequence change replaces threonine with isoleucine at codon 51 of the CEP83 protein (p.Thr51Ile). The threonine residue is moderately conserved and there is a moderate physicochemical difference between threonine and isoleucine.

NM_016122.3(CEP83):c.152C>T (p.Thr51Ile)

Gene: CEP83 (centrosomal protein 83; minus strand). Cytogenetic location: 12q22.
Variant type: single nucleotide variant.
Coding change: c.152C>T on transcript NM_016122.3 (MANE Select); coding-DNA position 152, C replaced by T.
Protein change: p.Thr51Ile; replaces threonine 51 with isoleucine.
Molecular consequence: missense variant. On other transcripts: non-coding transcript variant (1), intron variant (6).
Genome position (GRCh38, 1-based): chr12:94,412,339, G>A on the plus strand (C>T on the coding strand, the complement: CEP83 is on the minus strand). VCF-style: chr12-94412339-G-A. GRCh37 (hg19) VCF-style: chr12-94806115-G-A.
Other names: c.152C>T, p.Thr51Ile (NM_001042399.2, NM_001346457.2, NM_001346460.2 and 4 more transcripts); c.-140+178C>T (NM_001346459.2, NM_001346458.2, NM_001368040.1 and 3 more transcripts); short protein forms T51I.
Identifiers: ClinVar variation 967183 (VCV000967183.8), dbSNP rs1336325509, ClinGen allele CA386144525.
Genomic context (GRCh38, chr12:94,412,339, plus strand): 5'-TTTAAAACCAAACCCCACTTCTAGATTTAAGTAATTTACCTTGTGTGTTCAGCCTTCAGT[G>A]TCTGATAATTAGCTTTATGATGCTCACATCGTAACCTTTCATCAATTAACATTTTCTGGA-3'
Protein context (NP_057206.2, residues 41-61): RCEHHKANYQ[Thr51Ile]LKAEHTRLQN